The following is an entry in ClinVar:

ClinVar aggregate classification (germline): Uncertain significance (1 of 4 stars; one submission).

Submission:

GeneDx
Classification: Uncertain significance. Last evaluated: 2024-12-05. Review status: criteria provided, single submitter. Criteria: GeneDx Variant Classification Process June 2021. Collection method: clinical testing. Allele origin: germline. Affected: yes.
Comment: Not observed at significant frequency in large population cohorts (gnomAD); In silico analysis supports that this missense variant has a deleterious effect on protein structure/function; Has not been previously published as pathogenic or benign to our knowledge

NM_017947.4(MOCOS):c.845C>T (p.Ala282Val)

Gene: MOCOS (molybdenum cofactor sulfurase; plus strand). Cytogenetic location: 18q12.2.
Variant type: single nucleotide variant.
Coding change: c.845C>T on transcript NM_017947.4 (MANE Select); coding-DNA position 845, C replaced by T.
Protein change: p.Ala282Val; replaces alanine 282 with valine.
Molecular consequence: missense variant.
Genome position (GRCh38, 1-based): chr18:36,200,228, C>T. VCF-style: chr18-36200228-C-T. GRCh37 (hg19) VCF-style: chr18-33780191-C-T.
Other names: short protein forms A282V.
Identifiers: ClinVar variation 3901630 (VCV003901630.1).
Genomic context (GRCh38, chr18:36,200,228, plus strand): 5'-TCTATAAGATCTTCGGGTTTCCTACAGGCCTGGGCGCTCTGCTGGTCCATAATCGTGCGG[C>T]TCCTCTACTGAGGAAGACCTACTTTGGAGGAGGGACAGCCTCTGCGTACCTAGCAGGAGA-3'
Protein context (NP_060417.4, residues 272-292): LGALLVHNRA[Ala282Val]PLLRKTYFGG